The following is an entry in ClinVar:

NM_002485.5(NBN):c.428G>A (p.Trp143Ter)

Gene: NBN (nibrin; minus strand). Cytogenetic location: 8q21.3.
Variant type: single nucleotide variant.
Coding change: c.428G>A on transcript NM_002485.5 (MANE Select); coding-DNA position 428, G replaced by A.
Protein change: p.Trp143Ter; replaces tryptophan 143 with a stop codon.
Molecular consequence: nonsense.
Genome position (GRCh38, 1-based): chr8:89,980,786, C>T on the plus strand (G>A on the coding strand, the complement: NBN is on the minus strand). VCF-style: chr8-89980786-C-T. GRCh37 (hg19) VCF-style: chr8-90993014-C-T.
Other names: c.182G>A, p.Trp61Ter (NM_001024688.3); short protein forms W143*, W61*.
Identifiers: ClinVar variation 1171472 (VCV001171472.6), dbSNP rs2129908974, ClinGen allele CA371661731.

ClinVar aggregate classification (germline): Likely pathogenic. Review status: criteria provided, multiple submitters, no conflicts (2 of 4 stars). 2 submissions from 2 submitters: Likely pathogenic (2). Last evaluated 2025-01-16.

Conditions:
Microcephaly, normal intelligence and immunodeficiency (NBS). Also called: Ataxia telangiectasia variant V1; IMMUNODEFICIENCY, MICROCEPHALY, AND CHROMOSOMAL INSTABILITY; Immunodeficiency, microcephaly with normal intelligence; BERLIN BREAKAGE SYNDROME; SEEMANOVA SYNDROME II; Nijmegen breakage syndrome. Identifiers: Orphanet 647, MedGen C0398791, MONDO:0009623, OMIM 251260.

Submissions (2):

Natera, Inc.
Classification: Likely pathogenic for Nijmegen breakage syndrome. Last evaluated: 2025-01-16. Review status: criteria provided, single submitter. Criteria: Natera Variant Classification Schema (03/2026). Collection method: clinical testing. Allele origin: germline.
Comment: The c.428G>A variant in NBN is a nonsense variant predicted to introduce a stop codon at amino acid 143. This variant is expected to result in nonsense mediated decay, truncation, or a dysfunctional protein product. This variant is rare in the general population with a frequency below the threshold expected for the associated phenotype(s). Given the available evidence, this variant is classified as Likely Pathogenic.

GeneDx
Classification: Likely pathogenic. Last evaluated: 2021-11-10. Review status: criteria provided, single submitter. Criteria: GeneDx Variant Classification Process June 2021. Collection method: clinical testing. Allele origin: germline. Affected: yes.
Comment: Nonsense variant predicted to result in protein truncation or nonsense mediated decay in a gene for which loss-of-function is a known mechanism of disease; Not observed at significant frequency in large population cohorts (Lek 2016); Has not been previously published as pathogenic or benign to our knowledge